The following is an entry in ClinVar:

ClinVar aggregate classification (germline): Benign/Likely benign. Review status: criteria provided, multiple submitters, no conflicts (2 of 4 stars). 2 submissions from 2 submitters: Benign (1); Likely benign (1). Last evaluated 2026-01-13.

Conditions:
Familial adenomatous polyposis 1 (FAP1). Also called: FAMILIAL ADENOMATOUS POLYPOSIS 1, ATTENUATED; POLYPOSIS, ADENOMATOUS INTESTINAL. Identifiers: MedGen C2713442, MONDO:0021056, OMIM 175100. Disease mechanism: loss of function.
Hereditary cancer-predisposing syndrome. Also called: Tumor predisposition; Hereditary Cancer Syndrome; Hereditary neoplastic syndrome; Neoplastic Syndromes, Hereditary. Identifiers: Orphanet 140162, MedGen C0027672, MeSH D009386, MONDO:0015356.

Submissions (2):

Ambry Genetics
Classification: Likely benign for Hereditary cancer-predisposing syndrome. Last evaluated: 2026-01-13. Review status: criteria provided, single submitter. Criteria: Ambry Variant Classification Scheme 2023. Collection method: clinical testing. Allele origin: germline.

Myriad Genetics, Inc.
Classification: Benign for Familial adenomatous polyposis 1. Last evaluated: 2024-04-02. Review status: criteria provided, single submitter. Criteria: Myriad Autosomal Dominant, Autosomal Recessive and X-Linked Classification Criteria (2023). Collection method: clinical testing. Allele origin: unknown.
Comment: This variant is considered benign. This variant is a silent/synonymous amino acid change and it is not expected to impact splicing.

NM_000038.6(APC):c.5535T>C (p.His1845=)

Gene: APC (APC regulator of Wnt signaling pathway; plus strand). Cytogenetic location: 5q22.2.
Variant type: single nucleotide variant.
Coding change: c.5535T>C on transcript NM_000038.6 (MANE Select); coding-DNA position 5535, T replaced by C.
Protein change: p.His1845=; no amino-acid change (histidine 1845 retained).
Molecular consequence: synonymous variant. On other transcripts: non-coding transcript variant (2).
Genome position (GRCh38, 1-based): chr5:112,841,129, T>C. VCF-style: chr5-112841129-T-C. GRCh37 (hg19) VCF-style: chr5-112176826-T-C.
Other names: c.5535T>C (NM_000038.5); c.5535T>C, p.His1845= (NM_001127510.3, NM_001354895.2, NM_001407450.1); c.5481T>C, p.His1827= (NM_001127511.3); c.5589T>C, p.His1863= (NM_001354896.2, NM_001407447.1, NM_001407448.1 and 1 more transcripts); c.5565T>C, p.His1855= (NM_001354897.2); c.5460T>C, p.His1820= (NM_001354898.2); c.5451T>C, p.His1817= (NM_001354899.2); c.5412T>C, p.His1804= (NM_001354900.2); and 12 more.
Identifiers: ClinVar variation 3254066 (VCV003254066.2), dbSNP rs2149942646.